The following is an entry in ClinVar:

ClinVar aggregate classification (germline): Uncertain significance. Review status: criteria provided, multiple submitters, no conflicts (2 of 4 stars). 2 submissions from 2 submitters: Uncertain significance (2). Last evaluated 2024-09-30.

Allele frequency attached by ClinVar (database versions not stated): gnomAD 0.00001; gnomAD exomes 0.00001; ExAC 0.00002; TOPMed 0.00002.

Submissions (2):

Ambry Genetics
Classification: Uncertain significance. Last evaluated: 2024-09-30. Review status: criteria provided, single submitter. Criteria: Ambry Variant Classification Scheme 2023. Collection method: clinical testing. Allele origin: germline.

Labcorp Genetics (formerly Invitae), Labcorp
Classification: Uncertain significance. Last evaluated: 2023-11-27. Review status: criteria provided, single submitter. Criteria: Invitae Variant Classification Sherloc (09022015). Collection method: clinical testing. Allele origin: germline.
Comment: This sequence change replaces proline, which is neutral and non-polar, with leucine, which is neutral and non-polar, at codon 348 of the GUF1 protein (p.Pro348Leu). This variant is present in population databases (rs746464875, gnomAD 0.02%). This variant has not been reported in the literature in individuals affected with GUF1-related conditions. Advanced modeling of protein sequence and biophysical properties (such as structural, functional, and spatial information, amino acid conservation, physicochemical variation, residue mobility, and thermodynamic stability) performed at Invitae indicates that this missense variant is not expected to disrupt GUF1 protein function with a negative predictive value of 80%. In summary, the available evidence is currently insufficient to determine the role of this variant in disease. Therefore, it has been classified as a Variant of Uncertain Significance.

NM_021927.3(GUF1):c.1043C>T (p.Pro348Leu)

Gene: GUF1 (GTP binding elongation factor GUF1; plus strand). Cytogenetic location: 4p12.
Variant type: single nucleotide variant.
Coding change: c.1043C>T on transcript NM_021927.3 (MANE Select); coding-DNA position 1043, C replaced by T.
Protein change: p.Pro348Leu; replaces proline 348 with leucine.
Molecular consequence: missense variant.
Genome position (GRCh38, 1-based): chr4:44,688,111, C>T. VCF-style: chr4-44688111-C-T. GRCh37 (hg19) VCF-style: chr4-44690128-C-T.
Other names: c.1043C>T (NM_021927.2); c.71C>T, p.Pro24Leu (NM_001345867.2, NM_001345869.2); c.1043C>T, p.Pro348Leu (NM_001345868.2); short protein forms P24L, P348L.
Identifiers: ClinVar variation 2980680 (VCV002980680.4), dbSNP rs746464875, ClinGen allele CA2905518.
Genomic context (GRCh38, chr4:44,688,111, plus strand): 5'-TCACTGAAGCGCAAATAGGAGATACATTATGTTTACATAAGCAACCAGTGGAGCCCTTGC[C>T]TGGGTTTAAATCAGCGAAACCAATGGTATTTGCAGGTGAGGAGTTCACAAATTCAAAGGT-3'
Protein context (NP_068746.2, residues 338-358): CLHKQPVEPL[Pro348Leu]GFKSAKPMVF